The following is an entry in ClinVar:

ClinVar aggregate classification (germline): Uncertain significance (0 of 4 stars; one submission).

Conditions:
TUBB3-related disorder. Also called: TUBB3-related condition; TUBB3-related disorders.

Submission:

PreventionGenetics, part of Exact Sciences
Classification: Uncertain significance for TUBB3-related condition. Last evaluated: 2024-01-10. Review status: no assertion criteria provided. Collection method: clinical testing. Allele origin: germline.
Comment: The TUBB3 c.673C>T variant is predicted to result in the amino acid substitution p.Leu225Phe. To our knowledge, this variant has not been reported in the literature or in a large population database, indicating this variant is rare. At this time, the clinical significance of this variant is uncertain due to the absence of conclusive functional and genetic evidence.

NM_006086.4(TUBB3):c.673C>T (p.Leu225Phe)

Gene: TUBB3 (tubulin beta 3 class III; plus strand). Cytogenetic location: 16q24.3.
Variant type: single nucleotide variant.
Coding change: c.673C>T on transcript NM_006086.4 (MANE Select); coding-DNA position 673, C replaced by T.
Protein change: p.Leu225Phe; replaces leucine 225 with phenylalanine.
Molecular consequence: missense variant.
Genome position (GRCh38, 1-based): chr16:89,935,124, C>T. VCF-style: chr16-89935124-C-T. GRCh37 (hg19) VCF-style: chr16-90001532-C-T.
Other names: c.457C>T, p.Leu153Phe (NM_001197181.2); short protein forms L153F, L225F.
Identifiers: ClinVar variation 3050267 (VCV003050267.2), dbSNP rs2544627565, ClinGen allele CA397475091.